The following is an entry in ClinVar:

NM_024675.4(PALB2):c.3351-9T>C

Gene: PALB2 (partner and localizer of BRCA2; minus strand). Cytogenetic location: 16p12.2.
Variant type: single nucleotide variant.
Coding change: c.3351-9T>C on transcript NM_024675.4 (MANE Select); 9 bases into the intron before coding-DNA position 3351, T replaced by C.
Molecular consequence: intron variant.
Genome position (GRCh38, 1-based): chr16:23,603,678, A>G on the plus strand (T>C on the coding strand, the complement: PALB2 is on the minus strand). VCF-style: chr16-23603678-A-G. GRCh37 (hg19) VCF-style: chr16-23614999-A-G.
Identifiers: ClinVar variation 391935 (VCV000391935.5), dbSNP rs1057524295, ClinGen allele CA16608104.
Genomic context (GRCh38, chr16:23,603,678, plus strand): 5'-AGAAGTCAAGATTGCTGCTGCACAGTGATCTTTCACGTCACCTTCCAGGAACCTGATAGC[A>G]TACAAAGAAGATATAATTCAGATTACATATCCAAAAAACAATTAAAAAAAAAAAAAAGGT-3'

ClinVar aggregate classification (germline): Likely benign. Review status: criteria provided, multiple submitters, no conflicts (2 of 4 stars). 2 submissions from 2 submitters: Likely benign (2). Last evaluated 2024-06-18.

Conditions:
Familial cancer of breast. Also called: BREAST CANCER, FAMILIAL; Hereditary breast cancer; hereditary breast carcinoma. Identifiers: Orphanet 227535, MedGen C0346153, MONDO:0016419, OMIM 114480. Disease mechanism: loss of function.

Allele frequency attached by ClinVar (database versions not stated): gnomAD exomes below 0.00001.
gnomAD v4.1: 1 of 1,612,340 alleles (0.000062%); highest among the groups gnomAD compares: Non-Finnish European, 0.000085%; no homozygotes.

Submissions (2):

Labcorp Genetics (formerly Invitae), Labcorp
Classification: Likely benign for Familial cancer of breast. Last evaluated: 2024-06-18. Review status: criteria provided, single submitter. Criteria: Invitae Variant Classification Sherloc (09022015). Collection method: clinical testing. Allele origin: germline.

GeneDx
Classification: Likely benign. Last evaluated: 2016-12-16. Review status: criteria provided, single submitter. Criteria: GeneDx Variant Classification (06012015). Collection method: clinical testing. Allele origin: germline. Affected: yes.
Comment: This variant is considered likely benign or benign based on one or more of the following criteria: it is a conservative change, it occurs at a poorly conserved position in the protein, it is predicted to be benign by multiple in silico algorithms, and/or has population frequency not consistent with disease.